The following is an entry in ClinVar:

ClinVar aggregate classification (germline): Uncertain significance. Review status: criteria provided, multiple submitters, no conflicts (2 of 4 stars). 6 submissions from 6 submitters: Uncertain significance (6). Last evaluated 2026-03-01.

Conditions:
Kufor-Rakeb syndrome (KRS). Also called: PARKINSON DISEASE 9, AUTOSOMAL RECESSIVE, JUVENILE-ONSET. Identifiers: Orphanet 306674, Orphanet 314632, MedGen C1847640, MONDO:0011706, OMIM 606693.
Autosomal recessive spastic paraplegia type 78. Identifiers: Orphanet 513436, MedGen C5567893, MONDO:0014975, OMIM 617225.
Inborn genetic diseases. Identifiers: MedGen C0950123, MeSH D030342.

Allele frequency attached by ClinVar (database versions not stated): ExAC 0.00002; gnomAD exomes 0.00002 and 0.00005; gnomAD 0.00003 and 0.00004; TOPMed 0.00003.
gnomAD v4.1: 76 of 1,613,310 alleles (0.0047%); highest among the groups gnomAD compares: Non-Finnish European, 0.0059%; no homozygotes.

Submissions (6):

CeGaT Center for Human Genetics Tuebingen
Classification: Uncertain significance. Last evaluated: 2026-03-01. Review status: criteria provided, single submitter. Criteria: CeGaT Center For Human Genetics Tuebingen Variant Classification Criteria Version 2. Collection method: clinical testing. Allele origin: germline. Affected: yes. Observed: 1 variant allele.
Comment: ATP13A2: PM2

Mayo Clinic Laboratories, Mayo Clinic
Classification: Uncertain significance. Last evaluated: 2025-09-14. Review status: criteria provided, single submitter. Criteria: ACMG Guidelines, 2015. Collection method: clinical testing. Allele origin: germline. Observed: 1 variant allele.

Ambry Genetics
Classification: Uncertain significance for Inborn genetic diseases. Last evaluated: 2023-10-05. Review status: criteria provided, single submitter. Criteria: Ambry Variant Classification Scheme 2023. Collection method: clinical testing. Allele origin: germline.

Labcorp Genetics (formerly Invitae), Labcorp
Classification: Uncertain significance for Kufor-Rakeb syndrome; Autosomal recessive spastic paraplegia type 78. Last evaluated: 2022-07-16. Review status: criteria provided, single submitter. Criteria: Invitae Variant Classification Sherloc (09022015). Collection method: clinical testing. Allele origin: germline.
Comment: This sequence change replaces alanine, which is neutral and non-polar, with threonine, which is neutral and polar, at codon 1038 of the ATP13A2 protein (p.Ala1038Thr). This variant is present in population databases (rs757076945, gnomAD 0.004%). This variant has not been reported in the literature in individuals affected with ATP13A2-related conditions. ClinVar contains an entry for this variant (Variation ID: 876340). Advanced modeling of protein sequence and biophysical properties (such as structural, functional, and spatial information, amino acid conservation, physicochemical variation, residue mobility, and thermodynamic stability) performed at Invitae indicates that this missense variant is not expected to disrupt ATP13A2 protein function. In summary, the available evidence is currently insufficient to determine the role of this variant in disease. Therefore, it has been classified as a Variant of Uncertain Significance.

Department of Pathology and Laboratory Medicine, Sinai Health System
Classification: Uncertain significance for Autosomal recessive spastic paraplegia type 78; Kufor-Rakeb syndrome. Last evaluated: 2021-09-14. Review status: criteria provided, single submitter. Criteria: ACMG Guidelines, 2015. Collection method: research. Allele origin: germline.

Illumina Laboratory Services, Illumina
Classification: Uncertain significance for Kufor-Rakeb syndrome. Last evaluated: 2018-01-12. Review status: criteria provided, single submitter. Criteria: ICSL Variant Classification Criteria 13 December 2019. Collection method: clinical testing. Allele origin: germline.

NM_022089.4(ATP13A2):c.3112G>A (p.Ala1038Thr)

Gene: ATP13A2 (ATPase cation transporting 13A2; minus strand). Cytogenetic location: 1p36.13.
Variant type: single nucleotide variant.
Coding change: c.3112G>A on transcript NM_022089.4 (MANE Select); coding-DNA position 3112, G replaced by A.
Protein change: p.Ala1038Thr; replaces alanine 1038 with threonine.
Molecular consequence: missense variant.
Genome position (GRCh38, 1-based): chr1:16,986,928, C>T on the plus strand (G>A on the coding strand, the complement: ATP13A2 is on the minus strand). VCF-style: chr1-16986928-C-T. GRCh37 (hg19) VCF-style: chr1-17313423-C-T.
Other names: p.Ala1038Thr; c.3097G>A, p.Ala1033Thr (NM_001141973.3); c.2980G>A, p.Ala994Thr (NM_001141974.3); c.3112G>A (NM_022089.3); short protein forms A1038T, A994T, A1033T.
Identifiers: ClinVar variation 876340 (VCV000876340.14), dbSNP rs757076945, ClinGen allele CA636595.
Genomic context (GRCh38, chr1:16,986,928, plus strand): 5'-ACTGGAAGCTGGACAGAGAGAAGACCACGGTGTTCTCGTAGTTGGGCAGGTTGTCTGGTG[C>T]GGCCACTGTCCTGTTCAGAGGCACGAACCTGGGGGTACAGGGATGGGGGTCAGGGAACGA-3'
Protein context (NP_071372.1, residues 1028-1048): WFVPLNRTVA[Ala1038Thr]PDNLPNYENT